The following is an entry in ClinVar:

NM_198129.4(LAMA3):c.5049G>A (p.Arg1683=)

Gene: LAMA3 (laminin subunit alpha 3; plus strand). Cytogenetic location: 18q11.2.
Variant type: single nucleotide variant.
Coding change: c.5049G>A on transcript NM_198129.4 (MANE Select); coding-DNA position 5049, G replaced by A.
Protein change: p.Arg1683=; no amino-acid change (arginine 1683 retained).
Molecular consequence: synonymous variant.
Genome position (GRCh38, 1-based): chr18:23,876,344, G>A. VCF-style: chr18-23876344-G-A. GRCh37 (hg19) VCF-style: chr18-21456308-G-A.
Other names: c.222G>A, p.Arg74= (NM_000227.6, NM_001127718.4); c.5049G>A, p.Arg1683= (NM_001127717.4).
Identifiers: ClinVar variation 766020 (VCV000766020.11), dbSNP rs151202077, ClinGen allele CA503327879.
Genomic context (GRCh38, chr18:23,876,344, plus strand): 5'-TGAAAAATAGGGTTGTAGCCCTGGATACTATCGGGATCATAAAGGCTTGTATACCGGACG[G>A]TGTGTTCCCTGCAATTGCAACGGACATTCAAATCAATGCCAGGATGGCTCAGGCATATGT-3'
Protein context (NP_937762.2, residues 1673-1693): YRDHKGLYTG[Arg1683=]CVPCNCNGHS

ClinVar aggregate classification (germline): Likely benign. Review status: criteria provided, multiple submitters, no conflicts (2 of 4 stars). 2 submissions from 2 submitters: Likely benign (2). Last evaluated 2025-12-19.

Conditions:
LAMA3-related disorder. Also called: LAMA3-related condition; LAMA3-related disorders.

gnomAD v4.1: 3 of 1,614,190 alleles (0.00019%); highest among the groups gnomAD compares: Non-Finnish European, 0.00025%; no homozygotes.

Submissions (2):

Labcorp Genetics (formerly Invitae), Labcorp
Classification: Likely benign. Last evaluated: 2025-12-19. Review status: criteria provided, single submitter. Criteria: Invitae Variant Classification Sherloc (09022015). Collection method: clinical testing. Allele origin: germline.

PreventionGenetics, part of Exact Sciences
Classification: Likely benign for LAMA3-related condition. Last evaluated: 2024-12-01. Review status: criteria provided, single submitter. Criteria: ACMG Guidelines, 2015. Collection method: clinical testing. Allele origin: germline.
Comment: This variant is classified as likely benign based on ACMG/AMP sequence variant interpretation guidelines (Richards et al. 2015 PMID: 25741868, with internal and published modifications).